The following is an entry in ClinVar:

ClinVar aggregate classification (germline): Pathogenic (1 of 4 stars; one submission).

Submission:

Labcorp Genetics (formerly Invitae), Labcorp
Classification: Pathogenic. Last evaluated: 2019-11-09. Review status: criteria provided, single submitter. Criteria: Invitae Variant Classification Sherloc (09022015). Collection method: clinical testing. Allele origin: germline.
Comment: A gross deletion of the genomic region encompassing the full coding sequence of the ZMIZ1 gene has been identified. The boundaries of this event are unknown as the deletion extends beyond the assayed region for this gene and therefore may encompass additional genes. This variant has not been reported in the literature in individuals with ZMIZ1-related conditions. Loss-of-function variants in ZMIZ1 are known to be pathogenic (PMID: 30639322). For these reasons, this variant has been classified as Pathogenic.

Literature cited by the submitters: PubMed 30639322.

NC_000010.10:g.(?_80961390)_(81319734_?)del

Genes: EIF5AL1 (eukaryotic translation initiation factor 5A like 1; plus strand), PPIF (peptidylprolyl isomerase F; plus strand), SFTPA2 (surfactant protein A2; minus strand), ZCCHC24 (zinc finger CCHC-type containing 24; minus strand), ZMIZ1 (zinc finger MIZ-type containing 1; plus strand). Cytogenetic location: 10q22.3.
Variant type: Deletion.
Identifiers: ClinVar variation 832057 (VCV000832057.2).